The following is an entry in ClinVar:

NM_012210.4(TRIM32):c.333C>G (p.Phe111Leu)

Genes: ASTN2 (astrotactin 2; minus strand), TRIM32 (tripartite motif containing 32; plus strand). Cytogenetic location: 9q33.1.
Variant type: single nucleotide variant.
Coding change: c.333C>G on transcript NM_012210.4 (MANE Select); coding-DNA position 333, C replaced by G.
Protein change: p.Phe111Leu; replaces phenylalanine 111 with leucine.
Molecular consequence: missense variant. On other transcripts: intron variant (3).
Genome position (GRCh38, 1-based): chr9:116,698,075, C>G. VCF-style: chr9-116698075-C-G. GRCh37 (hg19) VCF-style: chr9-119460354-C-G.
Other names: c.333C>G, p.Phe111Leu (NM_001099679.2, NM_001379048.1, NM_001379049.1 and 1 more transcripts); c.2653+27696G>C (NM_014010.5); c.2794+27696G>C (NM_001365069.1); c.2806+27696G>C (NM_001365068.1); short protein forms F111L.
Identifiers: ClinVar variation 4977880 (VCV004977880.1).

ClinVar aggregate classification (germline): Uncertain significance (1 of 4 stars; one submission).

Conditions:
TRIM32-related disorder. Also called: TRIM32-related condition.

gnomAD v4.1: 2 of 1,614,122 alleles (0.00012%); highest among the groups gnomAD compares: Non-Finnish European, 0.00017%; no homozygotes.

Submission:

PreventionGenetics, part of Exact Sciences
Classification: Uncertain significance for TRIM32-related condition. Last evaluated: 2025-04-22. Review status: criteria provided, single submitter. Criteria: ACMG Guidelines, 2015. Collection method: clinical testing. Allele origin: germline.
Comment: The TRIM32 c.333C>G variant is predicted to result in the amino acid substitution p.Phe111Leu. To our knowledge, this variant has not been reported in the literature. This variant is reported in 0.00088% of alleles in individuals of European (Non-Finnish) descent in gnomAD. At this time, the clinical significance of this variant is uncertain due to the absence of conclusive functional and genetic evidence.